The following is an entry in ClinVar:

ClinVar aggregate classification (germline): Uncertain significance. Review status: criteria provided, multiple submitters, no conflicts (2 of 4 stars). 2 submissions from 2 submitters: Uncertain significance (2). Last evaluated 2024-11-10.

Conditions:
Ataxia-telangiectasia syndrome (AT). Also called: AT, COMPLEMENTATION GROUP C; Cerebello-oculocutaneous telangiectasia; Immunodeficiency with ataxia telangiectasia; Ataxia-telangiectasia, complementation group D; Ataxia-telangiectasia; LOUIS-BAR SYNDROME. Identifiers: Orphanet 100, MedGen C0004135, MONDO:0008840, OMIM 208900.
Hereditary cancer-predisposing syndrome. Also called: Hereditary Cancer Syndrome; Hereditary neoplastic syndrome; Neoplastic Syndromes, Hereditary; Tumor predisposition. Identifiers: Orphanet 140162, MedGen C0027672, MeSH D009386, MONDO:0015356.

Submissions (2):

Ambry Genetics
Classification: Uncertain significance for Hereditary cancer-predisposing syndrome. Last evaluated: 2024-11-10. Review status: criteria provided, single submitter. Criteria: Ambry Variant Classification Scheme 2023. Collection method: clinical testing. Allele origin: germline.
Comment: The p.G1002A variant (also known as c.3005G>C), located in coding exon 19 of the ATM gene, results from a G to C substitution at nucleotide position 3005. The glycine at codon 1002 is replaced by alanine, an amino acid with similar properties. This amino acid position is conserved. In addition, this alteration is predicted to be tolerated by in silico analysis. Based on the available evidence, the clinical significance of this variant remains unclear.

Labcorp Genetics (formerly Invitae), Labcorp
Classification: Uncertain significance for Ataxia-telangiectasia syndrome. Last evaluated: 2024-04-05. Review status: criteria provided, single submitter. Criteria: Invitae Variant Classification Sherloc (09022015). Collection method: clinical testing. Allele origin: germline.
Comment: This sequence change replaces glycine, which is neutral and non-polar, with alanine, which is neutral and non-polar, at codon 1002 of the ATM protein (p.Gly1002Ala). This variant is not present in population databases (gnomAD no frequency). This variant has not been reported in the literature in individuals affected with ATM-related conditions. An algorithm developed to predict the effect of missense changes on protein structure and function (PolyPhen-2) suggests that this variant is likely to be tolerated. In summary, the available evidence is currently insufficient to determine the role of this variant in disease. Therefore, it has been classified as a Variant of Uncertain Significance.

NM_000051.4(ATM):c.3005G>C (p.Gly1002Ala)

Gene: ATM (ATM serine/threonine kinase; plus strand). Cytogenetic location: 11q22.3.
Variant type: single nucleotide variant.
Coding change: c.3005G>C on transcript NM_000051.4 (MANE Select); coding-DNA position 3005, G replaced by C.
Protein change: p.Gly1002Ala; replaces glycine 1002 with alanine.
Molecular consequence: missense variant.
Genome position (GRCh38, 1-based): chr11:108,271,334, G>C. VCF-style: chr11-108271334-G-C. GRCh37 (hg19) VCF-style: chr11-108142061-G-C.
Other names: c.3005G>C, p.Gly1002Ala (NM_001351834.2); short protein forms G1002A.
Identifiers: ClinVar variation 3452551 (VCV003452551.3).